The following is an entry in ClinVar:

ClinVar aggregate classification (germline): Likely pathogenic. Review status: criteria provided, multiple submitters, no conflicts (2 of 4 stars). 2 submissions from 2 submitters: Likely pathogenic (2). Last evaluated 2021-11-30.

Conditions:
COL2A1-related disorder. Also called: COL2A1-related condition; COL2A1-related disorders.

Submissions (2):

Blueprint Genetics
Classification: Likely pathogenic for COL2A1-related disorders. Last evaluated: 2021-11-30. Review status: criteria provided, single submitter. Criteria: ACMG Guidelines, 2015. Collection method: clinical testing. Allele origin: germline. Affected: yes. Observed: 1 variant allele.

ARUP Laboratories, Molecular Genetics and Genomics, ARUP Laboratories
Classification: Likely pathogenic. Last evaluated: 2020-04-16. Review status: criteria provided, single submitter. Criteria: ARUP Molecular Germline Variant Investigation Process. Collection method: clinical testing. Allele origin: germline.
Comment: The COL2A1 c.2690G>T; p.Gly897Val variant, to our knowledge, is not reported in the medical literature or gene-specific databases. This variant is absent from general population databases (Exome Variant Server, Genome Aggregation Database), indicating it is not a common polymorphism. The glycine at codon 897 is highly conserved and computational analyses (SIFT, PolyPhen-2) predict that this variant is deleterious. This variant disrupts the repeating Gly-X-Y sequence motif of the collagen triple helix and is predicted to impair collagen function (Barat-Houari 2016). Based on available information, this variant is considered to be likely pathogenic. References: Barat-Houari M et al. Mutation Update for COL2A1 Gene Variants Associated with Type II Collagenopathies. Hum Mutat. 2016 Jan;37(1):7-15.

NM_001844.5(COL2A1):c.2690G>T (p.Gly897Val)

Gene: COL2A1 (collagen type II alpha 1 chain; minus strand). Cytogenetic location: 12q13.11.
Variant type: single nucleotide variant.
Coding change: c.2690G>T on transcript NM_001844.5 (MANE Select); coding-DNA position 2690, G replaced by T.
Protein change: p.Gly897Val; replaces glycine 897 with valine.
Molecular consequence: missense variant.
Genome position (GRCh38, 1-based): chr12:47,979,554, C>A on the plus strand (G>T on the coding strand, the complement: COL2A1 is on the minus strand). VCF-style: chr12-47979554-C-A. GRCh37 (hg19) VCF-style: chr12-48373337-C-A.
Other names: c.2483G>T, p.Gly828Val (NM_033150.3); short protein forms G828V, G897V.
Identifiers: ClinVar variation 994310 (VCV000994310.9), dbSNP rs1281743095, ClinGen allele CA384543957.